The following is an entry in ClinVar:

ClinVar aggregate classification (germline): Uncertain significance (1 of 4 stars; one submission).

Conditions:
Orofacial cleft 11 (OFC11). Also called: Orofacial cleft 11; ofc11; CLEFT LIP WITH OR WITHOUT CLEFT PALATE, NONSYNDROMIC, 11. Identifiers: MedGen C2677434, MONDO:0010906, OMIM 600625.
Microphthalmia with brain and digit anomalies (MCOPS6). Also called: MICROPHTHALMIA AND PITUITARY ANOMALIES; Microphthalmia, syndromic 6. Identifiers: Orphanet 139471, MedGen C1864689, MONDO:0011936, OMIM 607932.

gnomAD v4.1: 1 of 1,608,612 alleles (0.000062%); highest among the groups gnomAD compares: Non-Finnish European, 0.000085%; no homozygotes.

Submission:

Labcorp Genetics (formerly Invitae), Labcorp
Classification: Uncertain significance for Microphthalmia with brain and digit anomalies; Orofacial cleft 11. Last evaluated: 2022-07-24. Review status: criteria provided, single submitter. Criteria: Invitae Variant Classification Sherloc (09022015). Collection method: clinical testing. Allele origin: germline.
Comment: Algorithms developed to predict the effect of missense changes on protein structure and function (SIFT, PolyPhen-2, Align-GVGD) all suggest that this variant is likely to be tolerated. In summary, the available evidence is currently insufficient to determine the role of this variant in disease. Therefore, it has been classified as a Variant of Uncertain Significance. This variant is not present in population databases (gnomAD no frequency). This sequence change replaces glutamic acid, which is acidic and polar, with lysine, which is basic and polar, at codon 94 of the BMP4 protein (p.Glu94Lys). This variant has not been reported in the literature in individuals affected with BMP4-related conditions.

NM_001202.6(BMP4):c.280G>A (p.Glu94Lys)

Gene: BMP4 (bone morphogenetic protein 4; minus strand). Cytogenetic location: 14q22.2.
Variant type: single nucleotide variant.
Coding change: c.280G>A on transcript NM_001202.6 (MANE Select); coding-DNA position 280, G replaced by A.
Protein change: p.Glu94Lys; replaces glutamic acid 94 with lysine.
Molecular consequence: missense variant.
Genome position (GRCh38, 1-based): chr14:53,951,943, C>T on the plus strand (G>A on the coding strand, the complement: BMP4 is on the minus strand). VCF-style: chr14-53951943-C-T. GRCh37 (hg19) VCF-style: chr14-54418661-C-T.
Other names: c.421G>A, p.Glu141Lys (NM_001347912.1); c.91G>A, p.Glu31Lys (NM_001347913.2, NM_001347915.2, NM_001347917.1); c.280G>A, p.Glu94Lys (NM_001347914.2, NM_001347916.1, NM_130850.5 and 1 more transcripts); short protein forms E141K, E94K, E31K.
Identifiers: ClinVar variation 1974575 (VCV001974575.5), dbSNP rs1566581158, ClinGen allele CA389785196.